The following is an entry in ClinVar:

ClinVar aggregate classification (germline): Uncertain significance (1 of 4 stars; one submission).

Allele frequency attached by ClinVar (database versions not stated): gnomAD exomes below 0.00001.
gnomAD v4.1: 1 of 1,614,054 alleles (0.000062%); highest among the groups gnomAD compares: Non-Finnish European, 0.000085%; no homozygotes.

Submission:

Labcorp Genetics (formerly Invitae), Labcorp
Classification: Uncertain significance. Last evaluated: 2023-06-09. Review status: criteria provided, single submitter. Criteria: Invitae Variant Classification Sherloc (09022015). Collection method: clinical testing. Allele origin: germline.
Comment: This variant has not been reported in the literature in individuals affected with FH-related conditions. In summary, the available evidence is currently insufficient to determine the role of this variant in disease. Therefore, it has been classified as a Variant of Uncertain Significance. Variants that disrupt the consensus splice site are a relatively common cause of aberrant splicing (PMID: 17576681, 9536098). Algorithms developed to predict the effect of sequence changes on RNA splicing suggest that this variant is not likely to affect RNA splicing. This variant is not present in population databases (gnomAD no frequency). This sequence change falls in intron 7 of the FH gene. It does not directly change the encoded amino acid sequence of the FH protein. It affects a nucleotide within the consensus splice site.

Literature cited by the submitters: PubMed 17576681; PubMed 9536098.

NM_000143.4(FH):c.1109-3A>T

Gene: FH (fumarate hydratase; minus strand). Cytogenetic location: 1q43.
Variant type: single nucleotide variant.
Coding change: c.1109-3A>T on transcript NM_000143.4 (MANE Select); 3 bases into the intron before coding-DNA position 1109, A replaced by T.
Molecular consequence: intron variant.
Genome position (GRCh38, 1-based): chr1:241,502,573, T>A on the plus strand (A>T on the coding strand, the complement: FH is on the minus strand). VCF-style: chr1-241502573-T-A. GRCh37 (hg19) VCF-style: chr1-241665873-T-A.
Identifiers: ClinVar variation 2705802 (VCV002705802.3), dbSNP rs1659810726, ClinGen allele CA2651254903.